The following is an entry in ClinVar:

ClinVar aggregate classification (germline): Conflicting classifications of pathogenicity. Review status: criteria provided, conflicting classifications (1 of 4 stars). 8 submissions from 6 submitters: Uncertain significance (7); Benign (1). Last evaluated 2026-05-04.

Conditions:
Amyotrophic lateral sclerosis type 5 (ALS5). Also called: AMYOTROPHIC LATERAL SCLEROSIS 5, JUVENILE. Identifiers: Orphanet 300605, MedGen C1865864, MONDO:0011196, OMIM 602099.
Charcot-Marie-Tooth disease axonal type 2X. Also called: CHARCOT-MARIE-TOOTH DISEASE, AXONAL, AUTOSOMAL RECESSIVE, TYPE 2X; CHARCOT-MARIE-TOOTH NEUROPATHY, TYPE 2X. Identifiers: Orphanet 466775, MedGen C5569024, MONDO:0014726, OMIM 616668.
Inborn genetic diseases. Identifiers: MedGen C0950123, MeSH D030342.
Hereditary spastic paraplegia 11. Also called: SPASTIC PARAPLEGIA, AUTOSOMAL RECESSIVE, COMPLICATED, WITH THIN CORPUS CALLOSUM; SPASTIC PARAPLEGIA, AUTOSOMAL RECESSIVE, WITH MENTAL IMPAIRMENT AND THIN CORPUS CALLOSUM; Nakamura Osame syndrome; Autosomal recessive hereditary spastic paraplegia, mental impairment, and thin corpus callosum; Spastic Paraplegia 11; Spastic paraplegia, mental retardation and thin corpus callosum. Identifiers: Orphanet 2822, MedGen C1858479, MONDO:0011445, OMIM 604360.

Allele frequency attached by ClinVar (database versions not stated): gnomAD exomes 0.00003 and 0.00012; ExAC 0.00016; TOPMed 0.00038; 1000 Genomes Project 30x 0.00047; ESP Exome Variant Server 0.00046; gnomAD 0.00046 and 0.00049; 1000 Genomes Project 0.00060.
gnomAD v4.1: 116 of 1,614,186 alleles (0.0072%); highest among the groups gnomAD compares: African/African-American, 0.14%; no homozygotes.

Submissions (8):

Women's Health and Genetics/Laboratory Corporation of America, LabCorp
Classification: Uncertain significance. Last evaluated: 2026-05-04. Review status: criteria provided, single submitter. Criteria: LabCorp Variant Classification Summary - May 2015. Collection method: clinical testing. Allele origin: germline.
Comment: Variant summary: SPG11 c.763A>G (p.Lys255Glu) results in a conservative amino acid change in the encoded protein sequence. Algorithms developed to predict the effect of missense changes on protein structure and function all suggest that this variant is likely to be tolerated. The variant allele was found at a frequency of 0.00012 in 251444 control chromosomes. This frequency is not significantly higher than estimated for disease-causing variants in SPG11, allowing no conclusion about variant significance. c.763A>G has been observed in at least one individual affected with Amyotrophic lateral sclerosis, without strong evidence for causality (Nel_2022) . This report does not provide unequivocal conclusions about association of the variant with SPG11-related conditions. To our knowledge, no experimental evidence demonstrating an impact on protein function has been reported. The following publication has been ascertained in the context of this evaluation (PMID: 35047667). ClinVar contains an entry for this variant (Variation ID: 574858). Based on the evidence outlined above, the variant was classified as uncertain significance.

Labcorp Genetics (formerly Invitae), Labcorp
Classification: Benign for Hereditary spastic paraplegia 11. Last evaluated: 2025-12-16. Review status: criteria provided, single submitter. Criteria: Invitae Variant Classification Sherloc (09022015). Collection method: clinical testing. Allele origin: germline.

Athena Diagnostics
Classification: Uncertain significance. Last evaluated: 2025-10-06. Review status: criteria provided, single submitter. Criteria: Athena Diagnostics Criteria. Collection method: clinical testing. Allele origin: unknown.
Comment: Available data are insufficient to determine the clinical significance of the variant at this time. The frequency of this variant in the general population is higher than would generally be expected for pathogenic variants in this gene. Polyphen and MutationTaster predict this amino acid change may be benign.

GeneDx
Classification: Uncertain significance. Last evaluated: 2025-09-19. Review status: criteria provided, single submitter. Criteria: GeneDx Variant Classification Process June 2021. Collection method: clinical testing. Allele origin: germline. Affected: yes.
Comment: In silico analysis suggests that this missense variant does not alter protein structure/function; Has not been previously published as pathogenic or benign to our knowledge

Ambry Genetics
Classification: Uncertain significance for Inborn genetic diseases. Last evaluated: 2023-07-05. Review status: criteria provided, single submitter. Criteria: Ambry Variant Classification Scheme 2023. Collection method: clinical testing. Allele origin: germline.
Comment: The c.763A>G (p.K255E) alteration is located in coding exon 4 of the SPG11 gene. This alteration results from an A to G substitution at nucleotide position 763, causing the lysine (K) at amino acid position 255 to be replaced by a glutamic acid (E). Based on data from the Genome Aggregation Database (gnomAD) database, the SPG11 c.763A>G alteration was observed in 0.01% (39/282828) of total alleles studied, with a frequency of 0.14% (34/24962) in the African subpopulation. The p.K255 amino acid is not conserved in available vertebrate species. The p.K255E alteration is predicted to be tolerated by in silico analysis. Based on insufficient or conflicting evidence, the clinical significance of this alteration remains unclear.

Genome-Nilou Lab
Classification: Uncertain significance for Amyotrophic lateral sclerosis type 5. Review status: criteria provided, single submitter. Criteria: ACMG Guidelines, 2015. Collection method: clinical testing. Allele origin: germline.

Genome-Nilou Lab
Classification: Uncertain significance for Charcot-Marie-Tooth disease axonal type 2X. Review status: criteria provided, single submitter. Criteria: ACMG Guidelines, 2015. Collection method: clinical testing. Allele origin: germline.

Genome-Nilou Lab
Classification: Uncertain significance for Hereditary spastic paraplegia 11. Review status: criteria provided, single submitter. Criteria: ACMG Guidelines, 2015. Collection method: clinical testing. Allele origin: germline.

Literature cited by the submitters: PubMed 35047667 (cited by Women's Health and Genetics/Laboratory Corporation of America, LabCorp).

NM_025137.4(SPG11):c.763A>G (p.Lys255Glu)

Gene: SPG11 (SPG11 vesicle trafficking associated, spatacsin; minus strand). Cytogenetic location: 15q21.1.
Variant type: single nucleotide variant.
Coding change: c.763A>G on transcript NM_025137.4 (MANE Select); coding-DNA position 763, A replaced by G.
Protein change: p.Lys255Glu; replaces lysine 255 with glutamic acid.
Molecular consequence: missense variant.
Genome position (GRCh38, 1-based): chr15:44,657,201, T>C on the plus strand (A>G on the coding strand, the complement: SPG11 is on the minus strand). VCF-style: chr15-44657201-T-C. GRCh37 (hg19) VCF-style: chr15-44949399-T-C.
Other names: c.763A>G, p.Lys255Glu (NM_001160227.2); short protein forms K255E.
Identifiers: ClinVar variation 574858 (VCV000574858.17), dbSNP rs139091750, ClinGen allele CA7535727.